The following is an entry in ClinVar:

NM_001267550.2(TTN):c.90950T>C (p.Val30317Ala)

Genes: TTN (titin; minus strand), TTN-AS1 (TTN antisense RNA 1; plus strand). Cytogenetic location: 2q31.2.
Variant type: single nucleotide variant.
Coding change: c.90950T>C on transcript NM_001267550.2 (MANE Select); coding-DNA position 90950, T replaced by C.
Protein change: p.Val30317Ala; replaces valine 30317 with alanine.
Molecular consequence: missense variant.
Genome position (GRCh38, 1-based): chr2:178,551,950, A>G on the plus strand (T>C on the coding strand, the complement: TTN is on the minus strand). VCF-style: chr2-178551950-A-G. GRCh37 (hg19) VCF-style: chr2-179416677-A-G.
Other names: c.83246T>C, p.Val27749Ala (NM_133378.4); c.86027T>C, p.Val28676Ala (NM_001256850.1); c.63755T>C, p.Val21252Ala (NM_003319.4); c.64130T>C, p.Val21377Ala (NM_133432.3); c.64331T>C, p.Val21444Ala (NM_133437.4); short protein forms V27749A, V30317A, V21252A, V21444A, V21377A, V28676A.
Identifiers: ClinVar variation 229541 (VCV000229541.14), dbSNP rs759474127, ClinGen allele CA1987713.

ClinVar aggregate classification (germline): Conflicting classifications of pathogenicity. Review status: criteria provided, conflicting classifications (1 of 4 stars). 7 submissions from 7 submitters: Uncertain significance (4); Likely benign (1). 2 of the submissions do not count toward it. Last evaluated 2025-09-12.

Conditions:
TTN-related disorder. Also called: TTN-related disorders; TTN-related condition; TTN-related disease.

Allele frequency attached by ClinVar (database versions not stated): gnomAD 0.00009; TOPMed 0.00011.
gnomAD v4.1: 33 of 1,612,656 alleles (0.002%); highest among the groups gnomAD compares: African/African-American, 0.029%; no homozygotes.

Submissions (7):

PreventionGenetics, part of Exact Sciences
Classification: Uncertain significance for TTN-related condition. Last evaluated: 2025-09-12. Review status: criteria provided, single submitter. Criteria: ACMG Guidelines, 2015. Collection method: clinical testing. Allele origin: germline.
Comment: The TTN c.90950T>C variant is predicted to result in the amino acid substitution p.Val30317Ala. This variant has been reported in an individual with dilated cardiomyopathy (reported as c.83246T>C, p.Val27749Ala from transcript NM_133378 in Supplemental Table 2, Burstein et al. 2021. PubMed ID: 32746448) and in an individual with left ventricular noncompaction (Supplementary Table S2, Mazzarotto et al. 2021. PubMed ID: 33500567). This variant is reported in 0.025% of alleles in individuals of African descent in gnomAD and has conflicting interpretations regarding its pathogenicity in ClinVar, ranging from likely benign to uncertain (Variation ID: 229541). At this time, the clinical significance of this variant is uncertain due to the absence of conclusive functional and genetic evidence.

Revvity Omics, Revvity
Classification: Uncertain significance. Last evaluated: 2023-12-21. Review status: criteria provided, single submitter. Criteria: ACMG Guidelines, 2015. Collection method: clinical testing. Allele origin: germline.

GeneDx
Classification: Likely benign. Last evaluated: 2019-11-14. Review status: criteria provided, single submitter. Criteria: GeneDx Variant Classification Process June 2021. Collection method: clinical testing. Allele origin: germline. Affected: yes.

Athena Diagnostics
Classification: Uncertain significance. Last evaluated: 2017-05-30. Review status: criteria provided, single submitter. Criteria: Athena Diagnostics Criteria. Collection method: clinical testing. Allele origin: germline.

Laboratory for Molecular Medicine, Mass General Brigham Personalized Medicine
Classification: Uncertain significance. Last evaluated: 2015-10-22. Review status: criteria provided, single submitter. Criteria: LMM Criteria. Collection method: clinical testing. Allele origin: germline. Observed: 1 variant allele.
Comment: The p.Val27749Ala variant in TTN has not been previously reported in individuals with cardiomyopathy but has been identified in 2/11568 Latino chromosomes and 1 /9802 African chromosomes by the Exome Aggregation Consortium (ExAC .). Computational prediction tools and conservation analysis d o not provide strong support for or against an impact to the protein. In summary , the clinical significance of the p.Val27749Ala variant is uncertain.

Clinical Genetics, Academic Medical Center
Classification: Uncertain significance. Review status: no assertion criteria provided. Collection method: clinical testing. Allele origin: germline. Affected: yes. Study: VKGL Data-share Consensus. Not counted in ClinVar's aggregate classification.

Laboratory of Diagnostic Genome Analysis, Leiden University Medical Center (LUMC)
Classification: Uncertain significance. Review status: no assertion criteria provided. Collection method: clinical testing. Allele origin: germline. Affected: yes. Study: VKGL Data-share Consensus. Not counted in ClinVar's aggregate classification.